The following is an entry in ClinVar:

ClinVar aggregate classification (germline): Uncertain significance (1 of 4 stars; one submission).

Conditions:
Thrombocytopenia 1. Also called: X-Linked Thrombocytopenia (XLT); THROMBOCYTOPENIA, X-LINKED, 1; X-linked thrombocytopenia with normal platelets. Identifiers: Orphanet 268322, Orphanet 852, MedGen C1839163, MONDO:0010743, OMIM 313900.
X-linked severe congenital neutropenia (SCNX). Identifiers: Orphanet 86788, MedGen C1845987, MONDO:0010294, OMIM 300299.
Wiskott-Aldrich syndrome (WAS). Also called: WISKOTT-ALDRICH SYNDROME 1; ALDRICH SYNDROME; IMMUNODEFICIENCY 2; Wiskott-aldrich syndrome, somatic. Identifiers: Orphanet 906, MedGen C0043194, MONDO:0010518, OMIM 301000.

Allele frequency attached by ClinVar (database versions not stated): TOPMed 0.00001.

Submission:

Labcorp Genetics (formerly Invitae), Labcorp
Classification: Uncertain significance for Wiskott-Aldrich syndrome; X-linked severe congenital neutropenia; Thrombocytopenia 1. Last evaluated: 2024-12-09. Review status: criteria provided, single submitter. Criteria: Invitae Variant Classification Sherloc (09022015). Collection method: clinical testing. Allele origin: germline.
Comment: This sequence change replaces proline, which is neutral and non-polar, with arginine, which is basic and polar, at codon 410 of the WAS protein (p.Pro410Arg). This variant is not present in population databases (gnomAD no frequency). This variant has not been reported in the literature in individuals affected with WAS-related conditions. ClinVar contains an entry for this variant (Variation ID: 2925929). Invitae Evidence Modeling of protein sequence and biophysical properties (such as structural, functional, and spatial information, amino acid conservation, physicochemical variation, residue mobility, and thermodynamic stability) indicates that this missense variant is not expected to disrupt WAS protein function with a negative predictive value of 95%. In summary, the available evidence is currently insufficient to determine the role of this variant in disease. Therefore, it has been classified as a Variant of Uncertain Significance.

NM_000377.3(WAS):c.1229C>G (p.Pro410Arg)

Gene: WAS (WASP actin nucleation promoting factor; plus strand). Cytogenetic location: Xp11.23.
Variant type: single nucleotide variant.
Coding change: c.1229C>G on transcript NM_000377.3 (MANE Select); coding-DNA position 1229, C replaced by G.
Protein change: p.Pro410Arg; replaces proline 410 with arginine.
Molecular consequence: missense variant.
Genome position (GRCh38, 1-based): chrX:48,688,957, C>G. VCF-style: chrX-48688957-C-G. GRCh37 (hg19) VCF-style: chrX-48547346-C-G.
Other names: short protein forms P410R.
Identifiers: ClinVar variation 2925929 (VCV002925929.3), dbSNP rs1461940134, ClinGen allele CA412873546.